The following is an entry in ClinVar:

ClinVar aggregate classification (germline): Benign/Likely benign. Review status: criteria provided, multiple submitters, no conflicts (2 of 4 stars). 3 submissions from 3 submitters: Benign (1); Likely benign (2). Last evaluated 2025-09-12.

Conditions:
Pheochromocytoma/paraganglioma syndrome 3. Also called: Paragangliomas 3; SDHC-Related Hereditary Paraganglioma-Pheochromocytoma Syndrome (Paragangliomas 3); SDHC-Related Hereditary Paraganglioma-Pheochromocytoma Syndrome; GLOMUS TUMORS, FAMILIAL, 3. Identifiers: Orphanet 29072, MedGen C1854336, MONDO:0011544, OMIM 605373.
Gastrointestinal stromal tumor. Also called: Gastrointestinal stroma tumor; Gastrointestinal stromal tumor, somatic. Identifiers: Orphanet 44890, MedGen C0238198, MeSH D046152, MONDO:0011719, OMIM 606764, HP:0100723.
Hereditary cancer-predisposing syndrome. Also called: Neoplastic Syndromes, Hereditary; Hereditary Cancer Syndrome; Hereditary neoplastic syndrome; Tumor predisposition. Identifiers: Orphanet 140162, MedGen C0027672, MeSH D009386, MONDO:0015356.

Allele frequency attached by ClinVar (database versions not stated): TOPMed below 0.00001; gnomAD 0.00001.
gnomAD v4.1: 1 of 1,613,754 alleles (0.000062%); highest among the groups gnomAD compares: Non-Finnish European, 0.000085%; no homozygotes.

Submissions (3):

Ambry Genetics
Classification: Likely benign for Hereditary cancer-predisposing syndrome. Last evaluated: 2025-09-12. Review status: criteria provided, single submitter. Criteria: Ambry Variant Classification Scheme 2023. Collection method: clinical testing. Allele origin: germline.

Myriad Genetics, Inc.
Classification: Benign for Pheochromocytoma/paraganglioma syndrome 3. Last evaluated: 2025-03-14. Review status: criteria provided, single submitter. Criteria: Myriad Autosomal Dominant, Autosomal Recessive and X-Linked Classification Criteria (2023). Collection method: clinical testing. Allele origin: unknown.
Comment: This variant is considered benign. This variant is a silent/synonymous amino acid change and it is not expected to impact splicing.

Labcorp Genetics (formerly Invitae), Labcorp
Classification: Likely benign for Pheochromocytoma/paraganglioma syndrome 3; Gastrointestinal stromal tumor. Last evaluated: 2020-10-19. Review status: criteria provided, single submitter. Criteria: Invitae Variant Classification Sherloc (09022015). Collection method: clinical testing. Allele origin: germline.

NM_003001.5(SDHC):c.312G>A (p.Lys104=)

Gene: SDHC (succinate dehydrogenase complex subunit C; plus strand). Cytogenetic location: 1q23.3.
Variant type: single nucleotide variant.
Coding change: c.312G>A on transcript NM_003001.5 (MANE Select); coding-DNA position 312, G replaced by A.
Protein change: p.Lys104=; no amino-acid change (lysine 104 retained).
Molecular consequence: synonymous variant. On other transcripts: non-coding transcript variant (1), intron variant (3).
Genome position (GRCh38, 1-based): chr1:161,356,747, G>A. VCF-style: chr1-161356747-G-A. GRCh37 (hg19) VCF-style: chr1-161326537-G-A.
Other names: c.210G>A, p.Lys70= (NM_001035512.3); c.153G>A, p.Lys51= (NM_001035513.3); c.432G>A, p.Lys144= (NM_001407115.1); c.255G>A, p.Lys85= (NM_001407116.1); c.249G>A, p.Lys83= (NM_001407117.1); c.204G>A, p.Lys68= (NM_001407118.1); c.201G>A, p.Lys67= (NM_001407119.1, NM_001407120.1); c.242-5582G>A (NM_001035511.3); and 2 more.
Identifiers: ClinVar variation 1127234 (VCV001127234.10), dbSNP rs1395923291, ClinGen allele CA421501042.